The following is an entry in ClinVar:

ClinVar aggregate classification (germline): Uncertain significance. Review status: criteria provided, multiple submitters, no conflicts (2 of 4 stars). 2 submissions from 2 submitters: Uncertain significance (2). Last evaluated 2025-10-09.

Allele frequency attached by ClinVar (database versions not stated): gnomAD 0.00002; TOPMed 0.00002; gnomAD exomes 0.00004; ExAC 0.00007; ESP Exome Variant Server 0.00008; 1000 Genomes Project 30x 0.00016; 1000 Genomes Project 0.00020.
gnomAD v4.1: 52 of 1,605,362 alleles (0.0032%); highest among the groups gnomAD compares: East Asian, 0.022%; no homozygotes.

Submissions (2):

Labcorp Genetics (formerly Invitae), Labcorp
Classification: Uncertain significance. Last evaluated: 2025-10-09. Review status: criteria provided, single submitter. Criteria: Invitae Variant Classification Sherloc (09022015). Collection method: clinical testing. Allele origin: germline.
Comment: This sequence change replaces isoleucine, which is neutral and non-polar, with valine, which is neutral and non-polar, at codon 254 of the SPPL2A protein (p.Ile254Val). This variant is present in population databases (rs200412473, gnomAD 0.02%). This variant has not been reported in the literature in individuals affected with SPPL2A-related conditions. ClinVar contains an entry for this variant (Variation ID: 2065109). An algorithm developed to predict the effect of missense changes on protein structure and function outputs the following: PolyPhen-2: "Benign". The valine amino acid residue is found in multiple mammalian species, which suggests that this missense change does not adversely affect protein function. In summary, the available evidence is currently insufficient to determine the role of this variant in disease. Therefore, it has been classified as a Variant of Uncertain Significance.

Ambry Genetics
Classification: Uncertain significance. Last evaluated: 2023-05-17. Review status: criteria provided, single submitter. Criteria: Ambry Variant Classification Scheme 2023. Collection method: clinical testing. Allele origin: germline.

NM_032802.4(SPPL2A):c.760A>G (p.Ile254Val)

Gene: SPPL2A (signal peptide peptidase like 2A; minus strand). Cytogenetic location: 15q21.2.
Variant type: single nucleotide variant.
Coding change: c.760A>G on transcript NM_032802.4 (MANE Select); coding-DNA position 760, A replaced by G.
Protein change: p.Ile254Val; replaces isoleucine 254 with valine.
Molecular consequence: missense variant.
Genome position (GRCh38, 1-based): chr15:50,736,714, T>C on the plus strand (A>G on the coding strand, the complement: SPPL2A is on the minus strand). VCF-style: chr15-50736714-T-C. GRCh37 (hg19) VCF-style: chr15-51028911-T-C.
Other names: c.760A>G (NM_032802.3); short protein forms I254V.
Identifiers: ClinVar variation 2065109 (VCV002065109.6), dbSNP rs200412473, ClinGen allele CA7558424.